The following is an entry in ClinVar:

NM_000426.4(LAMA2):c.7935C>A (p.Tyr2645Ter)

Gene: LAMA2 (laminin subunit alpha 2; plus strand). Cytogenetic location: 6q22.33.
Variant type: single nucleotide variant.
Coding change: c.7935C>A on transcript NM_000426.4 (MANE Select); coding-DNA position 7935, C replaced by A.
Protein change: p.Tyr2645Ter; replaces tyrosine 2645 with a stop codon.
Molecular consequence: nonsense.
Genome position (GRCh38, 1-based): chr6:129,491,937, C>A. VCF-style: chr6-129491937-C-A. GRCh37 (hg19) VCF-style: chr6-129813082-C-A.
Other names: c.7923C>A, p.Tyr2641Ter (NM_001079823.2); short protein forms Y2641*, Y2645*.
Identifiers: ClinVar variation 2445893 (VCV002445893.6), dbSNP rs1398516348, ClinGen allele CA365630517.

ClinVar aggregate classification (germline): Pathogenic. Review status: criteria provided, multiple submitters, no conflicts (2 of 4 stars). 3 submissions from 3 submitters: Pathogenic (3). Last evaluated 2025-06-03.

Conditions:
LAMA2-related muscular dystrophy (LAMA2-RD). Also called: Laminin alpha 2-related dystrophy. Identifiers: MedGen C5679788, MONDO:0100228.
Merosin deficient congenital muscular dystrophy (MDC1A). Also called: Congenital merosin-deficient muscular dystrophy 1A; Congenital Muscular Dystrophy Type 1A (MDC1A). Identifiers: Orphanet 258, MedGen C1263858, MONDO:0011925, OMIM 607855.

Submissions (3):

Women's Health and Genetics/Laboratory Corporation of America, LabCorp
Classification: Pathogenic for LAMA2-related muscular dystrophy. Last evaluated: 2025-06-03. Review status: criteria provided, single submitter. Criteria: LabCorp Variant Classification Summary - May 2015. Collection method: clinical testing. Allele origin: germline.
Comment: Variant summary: LAMA2 c.7935C>A (p.Tyr2645X) results in a premature termination codon, predicted to cause a truncation of the encoded protein or absence of the protein due to nonsense mediated decay, which are commonly known mechanisms for disease. The variant was absent in 251206 control chromosomes. To our knowledge, no occurrence of c.7935C>A in individuals affected with Laminin Alpha 2-Related Dystrophy and no experimental evidence demonstrating its impact on protein function have been reported. ClinVar contains an entry for this variant (Variation ID: 2445893). Based on the evidence outlined above, the variant was classified as pathogenic.

3billion
Classification: Pathogenic for Merosin deficient congenital muscular dystrophy. Last evaluated: 2024-06-24. Review status: criteria provided, single submitter. Criteria: ACMG Guidelines, 2015. Collection method: clinical testing. Allele origin: germline. Affected: yes.
Comment: The variant is not observed in the gnomAD v4.0.0 dataset. Predicted Consequence/Location: Stop-gained (nonsense): predicted to result in a loss or disruption of normal protein function through nonsense-mediated decay (NMD) or protein truncation. Multiple pathogenic variants are reported downstream of the variant. The variant has been reported at least twice as pathogenic with clinical assertions and evidence for the classification (ClinVar ID: VCV002445893). Therefore, this variant is classified as Pathogenic according to the recommendation of ACMG/AMP guideline.

Labcorp Genetics (formerly Invitae), Labcorp
Classification: Pathogenic for LAMA2-related muscular dystrophy. Last evaluated: 2023-11-07. Review status: criteria provided, single submitter. Criteria: Invitae Variant Classification Sherloc (09022015). Collection method: clinical testing. Allele origin: germline.
Comment: This sequence change creates a premature translational stop signal (p.Tyr2645*) in the LAMA2 gene. It is expected to result in an absent or disrupted protein product. Loss-of-function variants in LAMA2 are known to be pathogenic (PMID: 18700894, 32904964). This variant is not present in population databases (gnomAD no frequency). This variant has not been reported in the literature in individuals affected with LAMA2-related conditions. ClinVar contains an entry for this variant (Variation ID: 2445893). For these reasons, this variant has been classified as Pathogenic.

Literature cited by the submitters: PubMed 18700894 (cited by Labcorp Genetics (formerly Invitae), Labcorp); PubMed 32904964 (cited by Labcorp Genetics (formerly Invitae), Labcorp).